The following is an entry in ClinVar:

ClinVar aggregate classification (germline): Uncertain significance. Review status: criteria provided, multiple submitters, no conflicts (2 of 4 stars). 3 submissions from 3 submitters: Uncertain significance (3). Last evaluated 2026-01-26.

Conditions:
LAMA2-related muscular dystrophy (LAMA2-RD). Also called: Laminin alpha 2-related dystrophy. Identifiers: MedGen C5679788, MONDO:0100228.

Allele frequency attached by ClinVar (database versions not stated): gnomAD exomes below 0.00001; ExAC 0.00001.
gnomAD v4.1: 6 of 1,613,606 alleles (0.00037%); highest among the groups gnomAD compares: East Asian, 0.0045%; no homozygotes.

Submissions (3):

Labcorp Genetics (formerly Invitae), Labcorp
Classification: Uncertain significance for LAMA2-related muscular dystrophy. Last evaluated: 2026-01-26. Review status: criteria provided, single submitter. Criteria: Invitae Variant Classification Sherloc (09022015). Collection method: clinical testing. Allele origin: germline.
Comment: This sequence change replaces arginine, which is basic and polar, with glutamine, which is neutral and polar, at codon 2630 of the LAMA2 protein (p.Arg2630Gln). This variant is present in population databases (rs774656522, gnomAD 0.004%). This variant has not been reported in the literature in individuals affected with LAMA2-related conditions. ClinVar contains an entry for this variant (Variation ID: 2433339). Invitae Evidence Modeling of protein sequence and biophysical properties (such as structural, functional, and spatial information, amino acid conservation, physicochemical variation, residue mobility, and thermodynamic stability) indicates that this missense variant is not expected to disrupt LAMA2 protein function with a negative predictive value of 95%. In summary, the available evidence is currently insufficient to determine the role of this variant in disease. Therefore, it has been classified as a Variant of Uncertain Significance.

Blueprint Genetics
Classification: Uncertain significance. Last evaluated: 2024-03-07. Review status: criteria provided, single submitter. Criteria: ACMG Guidelines, 2015. Collection method: clinical testing. Allele origin: germline.

Revvity Omics, Revvity
Classification: Uncertain significance. Last evaluated: 2020-10-19. Review status: criteria provided, single submitter. Criteria: ACMG Guidelines, 2015. Collection method: clinical testing. Allele origin: germline.

NM_000426.4(LAMA2):c.7889G>A (p.Arg2630Gln)

Gene: LAMA2 (laminin subunit alpha 2; plus strand). Cytogenetic location: 6q22.33.
Variant type: single nucleotide variant.
Coding change: c.7889G>A on transcript NM_000426.4 (MANE Select); coding-DNA position 7889, G replaced by A.
Protein change: p.Arg2630Gln; replaces arginine 2630 with glutamine.
Molecular consequence: missense variant.
Genome position (GRCh38, 1-based): chr6:129,486,613, G>A. VCF-style: chr6-129486613-G-A. GRCh37 (hg19) VCF-style: chr6-129807758-G-A.
Other names: c.7877G>A, p.Arg2626Gln (NM_001079823.2); short protein forms R2626Q, R2630Q.
Identifiers: ClinVar variation 2433339 (VCV002433339.5), dbSNP rs774656522, ClinGen allele CA3994683.
Genomic context (GRCh38, chr6:129,486,613, plus strand): 5'-TGATCAGACCAGAGCCGAATCTGTTTCATGATGGAAGAGAACATTCCGTTCATGTAGAGC[G>A]AACTAGAGGGTAACAATAGCACTAAAATATTTATTATTGTAACTCAGGTGAACTTCCTTT-3'
Protein context (NP_000417.3, residues 2620-2640): DGREHSVHVE[Arg2630Gln]TRGIFTVQVD